The following is an entry in ClinVar:

NM_032444.4(SLX4):c.1925-2_1925-1del

Gene: SLX4 (SLX4 structure-specific endonuclease subunit; minus strand). Cytogenetic location: 16p13.3.
Variant type: Deletion.
Coding change: c.1925-2_1925-1del on transcript NM_032444.4 (MANE Select); the canonical splice acceptor site of the intron before coding-DNA position 1925, 2 bases deleted (AG; older notation c.1925-2_1925-1delAG).
Molecular consequence: splice acceptor variant.
Genome position (GRCh38, 1-based): chr16:3,595,694-3,595,695, CT deleted on the plus strand (AG on the coding strand, the reverse complement: SLX4 is on the minus strand). VCF-style (leftmost placement, unchanged base first): chr16-3595693-CCT-C. GRCh37 (hg19) VCF-style: chr16-3645694-CCT-C.
Identifiers: ClinVar variation 3632657 (VCV003632657.3).

ClinVar aggregate classification (germline): Likely pathogenic. Review status: criteria provided, multiple submitters, no conflicts (2 of 4 stars). 2 submissions from 2 submitters: Likely pathogenic (2). Last evaluated 2025-01-29.

Conditions:
Fanconi anemia (FA). Also called: Fanconi's anemia. Identifiers: Orphanet 84, MedGen C0015625, MeSH D005199, MONDO:0019391.
SLX4-related disorder. Also called: SLX4-related condition.

Submissions (2):

Labcorp Genetics (formerly Invitae), Labcorp
Classification: Likely pathogenic for Fanconi anemia. Last evaluated: 2025-01-29. Review status: criteria provided, single submitter. Criteria: Invitae Variant Classification Sherloc (09022015). Collection method: clinical testing. Allele origin: germline.
Comment: This sequence change affects a splice site in intron 8 of the SLX4 gene. It is expected to disrupt RNA splicing. Variants that disrupt the donor or acceptor splice site typically lead to a loss of protein function (PMID: 16199547), and loss-of-function variants in SLX4 are known to be pathogenic (PMID: 21240277). This variant is present in population databases (rs775174458, gnomAD 0.02%). Disruption of this splice site has been observed in individual(s) with acute lymphoblastic leukemia (PMID: 35739278). Algorithms developed to predict the effect of sequence changes on RNA splicing suggest that this variant may disrupt the consensus splice site. In summary, the currently available evidence indicates that the variant is pathogenic, but additional data are needed to prove that conclusively. Therefore, this variant has been classified as Likely Pathogenic.

Blueprint Genetics
Classification: Likely pathogenic for SLX4-related disorders. Last evaluated: 2023-05-04. Review status: criteria provided, single submitter. Criteria: ACMG Guidelines, 2015. Collection method: clinical testing. Allele origin: germline. Affected: yes. Observed: 1 variant allele.

Literature cited by the submitters: PubMed 16199547 (cited by Labcorp Genetics (formerly Invitae), Labcorp); PubMed 21240277 (cited by Labcorp Genetics (formerly Invitae), Labcorp); PubMed 35739278 (cited by Labcorp Genetics (formerly Invitae), Labcorp).